The following is an entry in ClinVar:

ClinVar aggregate classification (germline): Uncertain significance. Review status: criteria provided, multiple submitters, no conflicts (2 of 4 stars). 3 submissions from 3 submitters: Uncertain significance (3). Last evaluated 2025-04-07.

Conditions:
DYRK1A-related intellectual disability syndrome (MRD7). Also called: DYRK1A Syndrome; Intellectual developmental disorder, autosomal dominant 7. Identifiers: Orphanet 464306, MedGen C5568143, MONDO:0013578, OMIM 614104.
Intellectual disability. Also called: Intellectual functioning disability; intellectual disabilities; Intellectual developmental disorder. Identifiers: MedGen C3714756, MeSH D008607, MONDO:0001071, HP:0001249.

Allele frequency attached by ClinVar (database versions not stated): ExAC 0.00002; gnomAD exomes 0.00001 and 0.00002; TOPMed 0.00001; gnomAD 0.00001.
gnomAD v4.1: 15 of 1,613,692 alleles (0.00093%); highest among the groups gnomAD compares: East Asian, 0.02%; no homozygotes.

Submissions (3):

Labcorp Genetics (formerly Invitae), Labcorp
Classification: Uncertain significance for DYRK1A-related intellectual disability syndrome. Last evaluated: 2025-04-07. Review status: criteria provided, single submitter. Criteria: Invitae Variant Classification Sherloc (09022015). Collection method: clinical testing. Allele origin: germline.
Comment: This sequence change replaces methionine, which is neutral and non-polar, with threonine, which is neutral and polar, at codon 344 of the DYRK1A protein (p.Met344Thr). This variant is present in population databases (rs746978297, gnomAD 0.01%). This variant has not been reported in the literature in individuals affected with DYRK1A-related conditions. ClinVar contains an entry for this variant (Variation ID: 1005968). Invitae Evidence Modeling of protein sequence and biophysical properties (such as structural, functional, and spatial information, amino acid conservation, physicochemical variation, residue mobility, and thermodynamic stability) indicates that this missense variant is not expected to disrupt DYRK1A protein function with a negative predictive value of 80%. In summary, the available evidence is currently insufficient to determine the role of this variant in disease. Therefore, it has been classified as a Variant of Uncertain Significance.

Revvity Omics, Revvity
Classification: Uncertain significance for DYRK1A-related intellectual disability syndrome. Last evaluated: 2023-02-07. Review status: criteria provided, single submitter. Criteria: ACMG Guidelines, 2015. Collection method: clinical testing. Allele origin: germline.

Cambridge Genomics Laboratory, East Genomic Laboratory Hub, NHS Genomic Medicine Service
Classification: Uncertain significance for Intellectual disability. Last evaluated: 2020-01-13. Review status: criteria provided, single submitter. Criteria: ACGS Best Practice Guidelines for Variant Classification in Rare Disease 2020. Collection method: clinical testing. Allele origin: germline. Affected: yes. Observed: 1 variant allele.

NM_001347721.2(DYRK1A):c.1004T>C (p.Met335Thr)

Gene: DYRK1A (dual specificity tyrosine phosphorylation regulated kinase 1A; plus strand). Cytogenetic location: 21q22.13.
Variant type: single nucleotide variant.
Coding change: c.1004T>C on transcript NM_001347721.2 (MANE Select); coding-DNA position 1004, T replaced by C.
Protein change: p.Met335Thr; replaces methionine 335 with threonine.
Molecular consequence: missense variant.
Genome position (GRCh38, 1-based): chr21:37,493,096, T>C. VCF-style: chr21-37493096-T-C. GRCh37 (hg19) VCF-style: chr21-38865398-T-C.
Other names: c.1004T>C, p.Met335Thr (NM_001347722.2, NM_130436.2); c.917T>C, p.Met306Thr (NM_001347723.2); c.1031T>C, p.Met344Thr (NM_001396.5, NM_101395.2, NM_130438.2); c.1031T>C (NM_001396.4); short protein forms M306T, M335T, M344T.
Identifiers: ClinVar variation 1005968 (VCV001005968.8), dbSNP rs746978297, ClinGen allele CA10023895.